The following is an entry in ClinVar:

NM_001365536.1(SCN9A):c.5392G>T (p.Glu1798Ter)

Genes: SCN1A-AS1 (SCN1A and SCN9A antisense RNA 1; plus strand), SCN9A (sodium voltage-gated channel alpha subunit 9; minus strand). Cytogenetic location: 2q24.3.
Variant type: single nucleotide variant.
Coding change: c.5392G>T on transcript NM_001365536.1 (MANE Select); coding-DNA position 5392, G replaced by T.
Protein change: p.Glu1798Ter; replaces glutamic acid 1798 with a stop codon.
Molecular consequence: nonsense.
Genome position (GRCh38, 1-based): chr2:166,199,247, C>A on the plus strand (G>T on the coding strand, the complement: SCN9A is on the minus strand). VCF-style: chr2-166199247-C-A. GRCh37 (hg19) VCF-style: chr2-167055757-C-A.
Other names: c.5359G>T, p.Glu1787Ter (NM_002977.4); short protein forms E1787*, E1798*.
Identifiers: ClinVar variation 246553 (VCV000246553.3), dbSNP rs770416478, ClinGen allele CA10584158.
Genomic context (GRCh38, chr2:166,199,247, plus strand): 5'-GTTTTGCTATGAGAAGAGGAGGATCCAGGGCAGCTGCAAAATCAGAGAGTTTAGAGAACT[C>A]TATAAACTGGGTCGCATCGGGATCAAACTTCTCCCAAACCTCATAGAACATCTCAAAGTC-3'

ClinVar aggregate classification (germline): Likely pathogenic (1 of 4 stars; one submission).

Submission:

GeneDx
Classification: Likely pathogenic. Last evaluated: 2025-07-31. Review status: criteria provided, single submitter. Criteria: GeneDx Variant Classification Process June 2021. Collection method: clinical testing. Allele origin: germline. Affected: yes.
Comment: Nonsense variant predicted to result in protein truncation, as the last 191 amino acids are lost, and other loss-of-function variants have been reported downstream in HGMD; Not observed at significant frequency in large population cohorts (gnomAD); Has not been previously published as pathogenic or benign to our knowledge